The following is an entry in ClinVar:

ClinVar aggregate classification (germline): Benign. Review status: criteria provided, multiple submitters, no conflicts (2 of 4 stars). 3 submissions from 3 submitters: Benign (3). Last evaluated 2026-02-01.

Conditions:
Primary hypomagnesemia (HOMG3). Also called: HYPOMAGNESEMIA 3, RENAL; HYPOMAGNESEMIA, FAMILIAL, WITH HYPERCALCIURIA AND NEPHROCALCINOSIS; HYPOMAGNESEMIA, ISOLATED RENAL; HYPOMAGNESEMIA, PRIMARY, DUE TO DEFECT IN RENAL TUBULAR TRANSPORT OF MAGNESIUM. Identifiers: Orphanet 31043, MedGen C0268448, MONDO:0009550, OMIM 248250.

Allele frequency attached by ClinVar (database versions not stated): ESP Exome Variant Server 0.00069; gnomAD exomes 0.00119 and 0.00519; gnomAD 0.00248 and 0.00267; ExAC 0.00388; TOPMed 0.00444; 1000 Genomes Project 0.00639; 1000 Genomes Project 30x 0.00671.
gnomAD v4.1: 2,155 of 1,613,958 alleles (0.13%); highest among the groups gnomAD compares: Admixed American, 3.3%; 51 homozygotes.

Submissions (3):

Labcorp Genetics (formerly Invitae), Labcorp
Classification: Benign. Last evaluated: 2026-02-01. Review status: criteria provided, single submitter. Criteria: Invitae Variant Classification Sherloc (09022015). Collection method: clinical testing. Allele origin: germline.

Illumina Laboratory Services, Illumina
Classification: Benign for Primary hypomagnesemia. Last evaluated: 2018-01-12. Review status: criteria provided, single submitter. Criteria: ICSL Variant Classification Criteria 13 December 2019. Collection method: clinical testing. Allele origin: germline.
Comment: This variant was observed in the ICSL laboratory as part of a predisposition screen in an ostensibly healthy population. It had not been previously curated by ICSL or reported in the Human Gene Mutation Database (HGMD: prior to June 1st, 2018), and was therefore a candidate for classification through an automated scoring system. Utilizing variant allele frequency, disease prevalence and penetrance estimates, and inheritance mode, an automated score was calculated to assess if this variant is too frequent to cause the disease. Based on the score and internal cut-off values, a variant classified as benign is not then subjected to further curation. The score for this variant resulted in a classification of benign for this disease.

Breakthrough Genomics
Classification: Benign. Review status: criteria provided, single submitter. Criteria: ACMG Guidelines, 2015. Collection method: not provided. Allele origin: germline. Inheritance: Autosomal recessive inheritance. Affected: yes.

NM_006580.4(CLDN16):c.45C>G (p.Phe15Leu)

Gene: CLDN16 (claudin 16; plus strand). Cytogenetic location: 3q28.
Variant type: single nucleotide variant.
Coding change: c.45C>G on transcript NM_006580.4 (MANE Select); coding-DNA position 45, C replaced by G.
Protein change: p.Phe15Leu; replaces phenylalanine 15 with leucine.
Molecular consequence: missense variant.
Genome position (GRCh38, 1-based): chr3:190,388,374, C>G. VCF-style: chr3-190388374-C-G. GRCh37 (hg19) VCF-style: chr3-190106163-C-G.
Other names: c.45C>G, p.Phe15Leu (NM_001378492.1, NM_001378493.1); short protein forms F85L, F15L.
Identifiers: ClinVar variation 344447 (VCV000344447.14), dbSNP rs149116671, ClinGen allele CA2753733.